The following is an entry in ClinVar:

ClinVar aggregate classification (germline): Uncertain significance (1 of 4 stars; one submission).

Conditions:
Nephronophthisis. Also called: Juvenile Nephronophthisis. Identifiers: Orphanet 655, MedGen C0687120, MONDO:0019005, HP:0000090.

gnomAD v4.1: 1 of 1,614,078 alleles (0.000062%); highest among the groups gnomAD compares: Non-Finnish European, 0.000085%; no homozygotes.

Submission:

Labcorp Genetics (formerly Invitae), Labcorp
Classification: Uncertain significance for Nephronophthisis. Last evaluated: 2021-11-02. Review status: criteria provided, single submitter. Criteria: Invitae Variant Classification Sherloc (09022015). Collection method: clinical testing. Allele origin: germline.
Comment: In summary, the available evidence is currently insufficient to determine the role of this variant in disease. Therefore, it has been classified as a Variant of Uncertain Significance. Algorithms developed to predict the effect of missense changes on protein structure and function output the following: SIFT: "Deleterious"; PolyPhen-2: "Benign"; Align-GVGD: "Class C0". The glutamine amino acid residue is found in multiple mammalian species, which suggests that this missense change does not adversely affect protein function. This variant has not been reported in the literature in individuals affected with INVS-related conditions. This variant is not present in population databases (gnomAD no frequency). This sequence change replaces histidine, which is basic and polar, with glutamine, which is neutral and polar, at codon 935 of the INVS protein (p.His935Gln).

NM_014425.5(INVS):c.2805C>A (p.His935Gln)

Gene: INVS (inversin; plus strand). Cytogenetic location: 9q31.1.
Variant type: single nucleotide variant.
Coding change: c.2805C>A on transcript NM_014425.5 (MANE Select); coding-DNA position 2805, C replaced by A.
Protein change: p.His935Gln; replaces histidine 935 with glutamine.
Molecular consequence: missense variant. On other transcripts: non-coding transcript variant (1).
Genome position (GRCh38, 1-based): chr9:100,296,935, C>A. VCF-style: chr9-100296935-C-A. GRCh37 (hg19) VCF-style: chr9-103059217-C-A.
Other names: c.2517C>A, p.His839Gln (NM_001318381.2); c.1827C>A, p.His609Gln (NM_001318382.2); short protein forms H609Q, H839Q, H935Q.
Identifiers: ClinVar variation 1485469 (VCV001485469.6), dbSNP rs1265354401, ClinGen allele CA374244978.